The following is an entry in ClinVar:

ClinVar aggregate classification (germline): Uncertain significance (1 of 4 stars; one submission).

Conditions:
Usher syndrome type 3B. Also called: USHER SYNDROME, TYPE IIIB. Identifiers: MedGen C3281066, MONDO:0013788, OMIM 614504.

Allele frequency attached by ClinVar (database versions not stated): gnomAD exomes below 0.00001; ExAC 0.00001.
gnomAD v4.1: 4 of 1,614,182 alleles (0.00025%); highest among the groups gnomAD compares: African/African-American, 0.0013%; no homozygotes.

Submission:

Labcorp Genetics (formerly Invitae), Labcorp
Classification: Uncertain significance for Usher syndrome type 3B. Last evaluated: 2024-05-15. Review status: criteria provided, single submitter. Criteria: Invitae Variant Classification Sherloc (09022015). Collection method: clinical testing. Allele origin: germline.
Comment: This sequence change replaces arginine, which is basic and polar, with cysteine, which is neutral and slightly polar, at codon 479 of the HARS protein (p.Arg479Cys). This variant is present in population databases (rs768174431, gnomAD 0.01%). This variant has not been reported in the literature in individuals affected with HARS-related conditions. ClinVar contains an entry for this variant (Variation ID: 1680287). Advanced modeling of protein sequence and biophysical properties (such as structural, functional, and spatial information, amino acid conservation, physicochemical variation, residue mobility, and thermodynamic stability) performed at Invitae indicates that this missense variant is expected to disrupt HARS protein function with a positive predictive value of 80%. In summary, the available evidence is currently insufficient to determine the role of this variant in disease. Therefore, it has been classified as a Variant of Uncertain Significance.

NM_002109.6(HARS1):c.1435C>T (p.Arg479Cys)

Gene: HARS1 (histidyl-tRNA synthetase 1; minus strand). Cytogenetic location: 5q31.3.
Variant type: single nucleotide variant.
Coding change: c.1435C>T on transcript NM_002109.6 (MANE Select); coding-DNA position 1435, C replaced by T.
Protein change: p.Arg479Cys; replaces arginine 479 with cysteine.
Molecular consequence: missense variant.
Genome position (GRCh38, 1-based): chr5:140,674,702, G>A on the plus strand (C>T on the coding strand, the complement: HARS1 is on the minus strand). VCF-style: chr5-140674702-G-A. GRCh37 (hg19) VCF-style: chr5-140054287-G-A.
Other names: c.1315C>T, p.Arg439Cys (NM_001258040.3); c.1375C>T, p.Arg459Cys (NM_001258041.3); c.1255C>T, p.Arg419Cys (NM_001258042.3); c.1213C>T, p.Arg405Cys (NM_001289092.2); c.1093C>T, p.Arg365Cys (NM_001289093.2); c.1348C>T, p.Arg450Cys (NM_001289094.2); short protein forms R365C, R405C, R419C, R439C, R450C, R459C, R479C.
Identifiers: ClinVar variation 1680287 (VCV001680287.8), dbSNP rs768174431, ClinGen allele CA3443824.